The following is an entry in ClinVar:

NM_006206.6(PDGFRA):c.2T>G (p.Met1Arg)

Gene: PDGFRA (platelet derived growth factor receptor alpha; plus strand). Cytogenetic location: 4q12.
Variant type: single nucleotide variant.
Coding change: c.2T>G on transcript NM_006206.6 (MANE Select); coding-DNA position 2, T replaced by G.
Protein change: p.Met1Arg; changes the start codon (methionine 1).
Molecular consequence: missense variant, initiator codon variant.
Genome position (GRCh38, 1-based): chr4:54,258,770, T>G. VCF-style: chr4-54258770-T-G. GRCh37 (hg19) VCF-style: chr4-55124937-T-G.
Other names: c.2T>G, p.Met1Arg (NM_001347827.2, NM_001347829.2); c.77T>G, p.Met26Arg (NM_001347828.2); c.41T>G, p.Met14Arg (NM_001347830.2); short protein forms M14R, M26R, M1R.
Identifiers: ClinVar variation 839215 (VCV000839215.11), dbSNP rs1722515777, ClinGen allele CA356888035.

ClinVar aggregate classification (germline): Uncertain significance (1 of 4 stars; one submission).

Conditions:
Gastrointestinal stromal tumor. Also called: Gastrointestinal stromal tumor, somatic; Gastrointestinal stroma tumor. Identifiers: Orphanet 44890, MedGen C0238198, MeSH D046152, MONDO:0011719, OMIM 606764, HP:0100723.

Submission:

Labcorp Genetics (formerly Invitae), Labcorp
Classification: Uncertain significance for Gastrointestinal stromal tumor. Last evaluated: 2020-04-02. Review status: criteria provided, single submitter. Criteria: Invitae Variant Classification Sherloc (09022015). Collection method: clinical testing. Allele origin: germline.
Comment: In summary, the available evidence is currently insufficient to determine the role of this variant in disease. Therefore, it has been classified as a Variant of Uncertain Significance. Experimental studies and prediction algorithms are not available or were not evaluated, and the functional significance of this variant is currently unknown. This variant has not been reported in the literature in individuals with PDGFRA-related conditions. This variant is not present in population databases (ExAC no frequency). This sequence change affects the initiator methionine of the PDGFRA mRNA. The next in-frame methionine is located at codon 61.